The following is an entry in ClinVar:

ClinVar aggregate classification (germline): Uncertain significance (1 of 4 stars; one submission).

Conditions:
Gastrointestinal stromal tumor. Also called: Gastrointestinal stromal tumor, somatic; Gastrointestinal stroma tumor. Identifiers: Orphanet 44890, MedGen C0238198, MeSH D046152, MONDO:0011719, OMIM 606764, HP:0100723.
Pheochromocytoma. Also called: MAX-Related Hereditary Paraganglioma-Pheochromocytoma Syndrome. Identifiers: Orphanet 29072, MedGen C0031511, MONDO:0008233, OMIM 171300, HP:0002666.
Pheochromocytoma/paraganglioma syndrome 4. Also called: PARAGANGLIOMA, FAMILIAL MALIGNANT; PARAGANGLIOMAS, HEREDITARY EXTRAADRENAL; PHEOCHROMOCYTOMA, FAMILIAL EXTRAADRENAL; Paragangliomas 4; SDHB-Related Hereditary Paraganglioma-Pheochromocytoma Syndrome (Paragangliomas 4); SDHB-Related Hereditary Paraganglioma-Pheochromocytoma Syndrome. Identifiers: Orphanet 29072, MedGen C1861848, MONDO:0007273, OMIM 115310.

Submission:

Labcorp Genetics (formerly Invitae), Labcorp
Classification: Uncertain significance for Gastrointestinal stromal tumor; Pheochromocytoma/paraganglioma syndrome 4; Pheochromocytoma. Last evaluated: 2022-02-18. Review status: criteria provided, single submitter. Criteria: Invitae Variant Classification Sherloc (09022015). Collection method: clinical testing. Allele origin: germline.
Comment: Variants that disrupt the consensus splice site are a relatively common cause of aberrant splicing (PMID: 17576681, 9536098). Algorithms developed to predict the effect of sequence changes on RNA splicing suggest that this variant is not likely to affect RNA splicing. This sequence change falls in intron 6 of the SDHB gene. It does not directly change the encoded amino acid sequence of the SDHB protein. It affects a nucleotide within the consensus splice site. This variant is not present in population databases (gnomAD no frequency). This variant has not been reported in the literature in individuals affected with SDHB-related conditions. ClinVar contains an entry for this variant (Variation ID: 239436). In summary, the available evidence is currently insufficient to determine the role of this variant in disease. Therefore, it has been classified as a Variant of Uncertain Significance.

Literature cited by the submitters: PubMed 17576681; PubMed 9536098.

NM_003000.3(SDHB):c.642+3G>A

Gene: SDHB (succinate dehydrogenase complex iron sulfur subunit B; minus strand). Cytogenetic location: 1p36.13.
Variant type: single nucleotide variant.
Coding change: c.642+3G>A on transcript NM_003000.3 (MANE Select); 3 bases into the intron after coding-DNA position 642, G replaced by A.
Molecular consequence: intron variant.
Genome position (GRCh38, 1-based): chr1:17,023,970, C>T on the plus strand (G>A on the coding strand, the complement: SDHB is on the minus strand). VCF-style: chr1-17023970-C-T. GRCh37 (hg19) VCF-style: chr1-17350465-C-T.
Identifiers: ClinVar variation 239436 (VCV000239436.7), dbSNP rs878854577, ClinGen allele CA10581745.